The following is an entry in ClinVar:

NM_032776.3(JMJD1C):c.4636T>A (p.Tyr1546Asn)

Gene: JMJD1C (jumonji domain containing 1C; minus strand). Cytogenetic location: 10q21.3.
Variant type: single nucleotide variant.
Coding change: c.4636T>A on transcript NM_032776.3 (MANE Select); coding-DNA position 4636, T replaced by A.
Protein change: p.Tyr1546Asn; replaces tyrosine 1546 with asparagine.
Molecular consequence: missense variant. On other transcripts: non-coding transcript variant (1).
Genome position (GRCh38, 1-based): chr10:63,207,033, A>T on the plus strand (T>A on the coding strand, the complement: JMJD1C is on the minus strand). VCF-style: chr10-63207033-A-T. GRCh37 (hg19) VCF-style: chr10-64966793-A-T.
Other names: c.4090T>A, p.Tyr1364Asn (NM_001282948.2, NM_001318154.2); c.3772T>A, p.Tyr1258Asn (NM_001318153.2); c.4522T>A, p.Tyr1508Asn (NM_001322252.2); c.3979T>A, p.Tyr1327Asn (NM_001322254.2, NM_001322258.2); short protein forms Y1258N, Y1546N, Y1364N, Y1508N, Y1327N.
Identifiers: ClinVar variation 1501213 (VCV001501213.8), dbSNP rs2133144700, ClinGen allele CA377036950.
Genomic context (GRCh38, chr10:63,207,033, plus strand): 5'-TAGTATTTTTATCTTCTTCTGAGTGTCTGGTGAGCCAGGCCTTTTTCAGTTTAGTATGGT[A>T]GTTTGGTTGACTTGTCTGGGAAGCTTGCCCATTTCCTACAGAGTTTGCTTTGTTAATTGT-3'
Protein context (NP_116165.1, residues 1536-1556): GQASQTSQPN[Tyr1546Asn]HTKLKKAWLT

ClinVar aggregate classification (germline): Uncertain significance (1 of 4 stars; one submission).

Conditions:
Early Myoclonic Encephalopathy. Identifiers: MedGen C0270855.

Submission:

Labcorp Genetics (formerly Invitae), Labcorp
Classification: Uncertain significance for Early Myoclonic Encephalopathy. Last evaluated: 2022-06-13. Review status: criteria provided, single submitter. Criteria: Invitae Variant Classification Sherloc (09022015). Collection method: clinical testing. Allele origin: germline.
Comment: This variant is not present in population databases (gnomAD no frequency). This sequence change replaces tyrosine, which is neutral and polar, with asparagine, which is neutral and polar, at codon 1546 of the JMJD1C protein (p.Tyr1546Asn). This variant has not been reported in the literature in individuals affected with JMJD1C-related conditions. In summary, the available evidence is currently insufficient to determine the role of this variant in disease. Therefore, it has been classified as a Variant of Uncertain Significance. Algorithms developed to predict the effect of missense changes on protein structure and function are either unavailable or do not agree on the potential impact of this missense change (SIFT: "Tolerated"; PolyPhen-2: "Possibly Damaging"; Align-GVGD: "Class C0").